The following is an entry in ClinVar:

ClinVar aggregate classification (germline): Uncertain significance. Review status: criteria provided, multiple submitters, no conflicts (2 of 4 stars). 4 submissions from 4 submitters: Uncertain significance (4). Last evaluated 2026-05-13.

Conditions:
SMARCA4-related disorder. Also called: SMARCA4-related condition.
Hereditary cancer-predisposing syndrome. Also called: Neoplastic Syndromes, Hereditary; Hereditary Cancer Syndrome; Tumor predisposition; Hereditary neoplastic syndrome. Identifiers: Orphanet 140162, MedGen C0027672, MeSH D009386, MONDO:0015356.
Rhabdoid tumor predisposition syndrome 2 (RTPS2). Identifiers: Orphanet 231108, Orphanet 69077, MedGen C2750074, MONDO:0013224, OMIM 613325.

Allele frequency attached by ClinVar (database versions not stated): gnomAD exomes below 0.00001; TOPMed 0.00001.
gnomAD v4.1: 1 of 1,613,836 alleles (0.000062%); highest among the groups gnomAD compares: African/African-American, 0.0013%; no homozygotes.

Submissions (4):

PreventionGenetics, part of Exact Sciences
Classification: Uncertain significance for SMARCA4-related condition. Last evaluated: 2026-05-13. Review status: criteria provided, single submitter. Criteria: ACMG Guidelines, 2015. Collection method: clinical testing. Allele origin: germline.
Comment: The SMARCA4 c.3926A>G variant is predicted to result in the amino acid substitution p.His1309Arg. To our knowledge, this variant has not been reported in the literature. This variant is reported in 0.0062% of alleles in individuals of African descent in gnomAD and is classified as uncertain in ClinVar (Variation ID: 841040). At this time, the clinical significance of this variant is uncertain due to the absence of conclusive functional and genetic evidence.

Ambry Genetics
Classification: Uncertain significance for Hereditary cancer-predisposing syndrome. Last evaluated: 2025-02-07. Review status: criteria provided, single submitter. Criteria: Ambry Variant Classification Scheme 2023. Collection method: clinical testing. Allele origin: germline.
Comment: The p.H1309R variant (also known as c.3926A>G), located in coding exon 27 of the SMARCA4 gene, results from an A to G substitution at nucleotide position 3926. The histidine at codon 1309 is replaced by arginine, an amino acid with highly similar properties. This amino acid position is not well conserved in available vertebrate species. In addition, this alteration is predicted to be tolerated by in silico analysis. Based on the available evidence, the clinical significance of this variant remains unclear.

Labcorp Genetics (formerly Invitae), Labcorp
Classification: Uncertain significance for Rhabdoid tumor predisposition syndrome 2. Last evaluated: 2024-05-02. Review status: criteria provided, single submitter. Criteria: Invitae Variant Classification Sherloc (09022015). Collection method: clinical testing. Allele origin: germline.
Comment: This sequence change replaces histidine, which is basic and polar, with arginine, which is basic and polar, at codon 1309 of the SMARCA4 protein (p.His1309Arg). This variant is present in population databases (no rsID available, gnomAD 0.007%). This variant has not been reported in the literature in individuals affected with SMARCA4-related conditions. ClinVar contains an entry for this variant (Variation ID: 841040). Advanced modeling of protein sequence and biophysical properties (such as structural, functional, and spatial information, amino acid conservation, physicochemical variation, residue mobility, and thermodynamic stability) performed at Invitae indicates that this missense variant is not expected to disrupt SMARCA4 protein function with a negative predictive value of 95%. In summary, the available evidence is currently insufficient to determine the role of this variant in disease. Therefore, it has been classified as a Variant of Uncertain Significance.

Baylor Genetics
Classification: Uncertain significance for Rhabdoid tumor predisposition syndrome 2. Last evaluated: 2024-02-12. Review status: criteria provided, single submitter. Criteria: ACMG Guidelines, 2015. Collection method: clinical testing. Allele origin: unknown.

NM_003072.5(SMARCA4):c.3926A>G (p.His1309Arg)

Gene: SMARCA4 (SWI/SNF related BAF chromatin remodeling complex subunit ATPase 4; plus strand). Cytogenetic location: 19p13.2.
Variant type: single nucleotide variant.
Coding change: c.3926A>G on transcript NM_003072.5 (MANE Select); coding-DNA position 3926, A replaced by G.
Protein change: p.His1309Arg; replaces histidine 1309 with arginine.
Molecular consequence: missense variant. On other transcripts: non-coding transcript variant (1).
Genome position (GRCh38, 1-based): chr19:11,034,175, A>G. VCF-style: chr19-11034175-A-G. GRCh37 (hg19) VCF-style: chr19-11144851-A-G.
Other names: c.3926A>G, p.His1309Arg (NM_001128844.3, NM_001128849.3); c.3827A>G, p.His1276Arg (NM_001128845.2, NM_001128846.2, NM_001128847.4 and 2 more transcripts); short protein forms H1276R, H1309R.
Identifiers: ClinVar variation 841040 (VCV000841040.13), dbSNP rs1158845896, ClinGen allele CA404067902.